The following is an entry in ClinVar:

NM_006904.7(PRKDC):c.9286G>A (p.Val3096Ile)

Gene: PRKDC (protein kinase, DNA-activated, catalytic subunit; minus strand). Cytogenetic location: 8q11.21.
Variant type: single nucleotide variant.
Coding change: c.9286G>A on transcript NM_006904.7 (MANE Select); coding-DNA position 9286, G replaced by A.
Protein change: p.Val3096Ile; replaces valine 3096 with isoleucine.
Molecular consequence: missense variant.
Genome position (GRCh38, 1-based): chr8:47,820,769, C>T on the plus strand (G>A on the coding strand, the complement: PRKDC is on the minus strand). VCF-style: chr8-47820769-C-T. GRCh37 (hg19) VCF-style: chr8-48733330-C-T.
Other names: c.9286G>A, p.Val3096Ile (NM_001081640.2); short protein forms V3096I.
Identifiers: ClinVar variation 1924283 (VCV001924283.5), dbSNP rs1422843906, ClinGen allele CA371139375.

ClinVar aggregate classification (germline): Uncertain significance (1 of 4 stars; one submission).

Conditions:
Severe combined immunodeficiency due to DNA-PKcs deficiency. Also called: IMMUNODEFICIENCY 26 WITH NEUROLOGIC ABNORMALITIES; Immunodeficiency 26 with or without neurologic abnormalities. Identifiers: Orphanet 317425, MedGen C4014833, MONDO:0014423, OMIM 615966.

Submission:

Labcorp Genetics (formerly Invitae), Labcorp
Classification: Uncertain significance for Severe combined immunodeficiency due to DNA-PKcs deficiency. Last evaluated: 2023-12-21. Review status: criteria provided, single submitter. Criteria: Invitae Variant Classification Sherloc (09022015). Collection method: clinical testing. Allele origin: germline.
Comment: This sequence change replaces valine, which is neutral and non-polar, with isoleucine, which is neutral and non-polar, at codon 3096 of the PRKDC protein (p.Val3096Ile). This variant is not present in population databases (gnomAD no frequency). This variant has not been reported in the literature in individuals affected with PRKDC-related conditions. ClinVar contains an entry for this variant (Variation ID: 1924283). Advanced modeling of protein sequence and biophysical properties (such as structural, functional, and spatial information, amino acid conservation, physicochemical variation, residue mobility, and thermodynamic stability) performed at Invitae indicates that this missense variant is not expected to disrupt PRKDC protein function with a negative predictive value of 80%. In summary, the available evidence is currently insufficient to determine the role of this variant in disease. Therefore, it has been classified as a Variant of Uncertain Significance.